The following is an entry in ClinVar:

ClinVar aggregate classification (germline): Uncertain significance. Review status: criteria provided, multiple submitters, no conflicts (2 of 4 stars). 2 submissions from 2 submitters: Uncertain significance (2). Last evaluated 2025-11-13.

Conditions:
Tumor predisposition syndrome 3 (TPDS3). Also called: Melanoma, cutaneous malignant, susceptibility to, 10; Glioma susceptibility 9; LONG TELOMERE SYNDROME, POT1-RELATED; POT1 Tumor Predisposition. Identifiers: Orphanet 618, MedGen C4014476, MONDO:0014368, OMIM 615848.
Hereditary cancer-predisposing syndrome. Also called: Hereditary Cancer Syndrome; Hereditary neoplastic syndrome; Neoplastic Syndromes, Hereditary; Tumor predisposition. Identifiers: Orphanet 140162, MedGen C0027672, MeSH D009386, MONDO:0015356.

Submissions (2):

Ambry Genetics
Classification: Uncertain significance for Hereditary cancer-predisposing syndrome. Last evaluated: 2025-11-13. Review status: criteria provided, single submitter. Criteria: Ambry Variant Classification Scheme 2023. Collection method: clinical testing. Allele origin: germline.
Comment: The p.I455M variant (also known as c.1365A>G), located in coding exon 10 of the POT1 gene, results from an A to G substitution at nucleotide position 1365. The isoleucine at codon 455 is replaced by methionine, an amino acid with highly similar properties. This amino acid position is conserved. In addition, this alteration is predicted to be tolerated by in silico analysis. Based on the available evidence, the clinical significance of this variant remains unclear.

Labcorp Genetics (formerly Invitae), Labcorp
Classification: Uncertain significance for Tumor predisposition syndrome 3. Last evaluated: 2023-09-01. Review status: criteria provided, single submitter. Criteria: Invitae Variant Classification Sherloc (09022015). Collection method: clinical testing. Allele origin: germline.
Comment: In summary, the available evidence is currently insufficient to determine the role of this variant in disease. Therefore, it has been classified as a Variant of Uncertain Significance. Advanced modeling of protein sequence and biophysical properties (such as structural, functional, and spatial information, amino acid conservation, physicochemical variation, residue mobility, and thermodynamic stability) performed at Invitae indicates that this missense variant is not expected to disrupt POT1 protein function. ClinVar contains an entry for this variant (Variation ID: 1714540). This variant has not been reported in the literature in individuals affected with POT1-related conditions. This variant is not present in population databases (gnomAD no frequency). This sequence change replaces isoleucine, which is neutral and non-polar, with methionine, which is neutral and non-polar, at codon 455 of the POT1 protein (p.Ile455Met).

NM_015450.3(POT1):c.1365A>G (p.Ile455Met)

Gene: POT1 (protection of telomeres 1; minus strand). Cytogenetic location: 7q31.33.
Variant type: single nucleotide variant.
Coding change: c.1365A>G on transcript NM_015450.3 (MANE Select); coding-DNA position 1365, A replaced by G.
Protein change: p.Ile455Met; replaces isoleucine 455 with methionine.
Molecular consequence: missense variant. On other transcripts: non-coding transcript variant (3).
Genome position (GRCh38, 1-based): chr7:124,840,977, T>C on the plus strand (A>G on the coding strand, the complement: POT1 is on the minus strand). VCF-style: chr7-124840977-T-C. GRCh37 (hg19) VCF-style: chr7-124481031-T-C.
Other names: c.1365A>G (NM_015450.2); c.972A>G, p.Ile324Met (NM_001042594.2); short protein forms I324M, I455M.
Identifiers: ClinVar variation 1714540 (VCV001714540.7), dbSNP rs2485394033, ClinGen allele CA369066580.
Genomic context (GRCh38, chr7:124,840,977, plus strand): 5'-TTAGGAAAAATATGCAAAAGGAGTATTCTAACAAAACAGTGACTTAAATATCTTACCTTC[T>C]ATCAAAAGTAGACATTCATTTGAAAGCGGGAGAATACCATTATTTTTCACAAAATGAACT-3'
Protein context (NP_056265.2, residues 445-465): LPLSNECLLL[Ile455Met]EGGTLSEICK